The following is an entry in ClinVar:

ClinVar aggregate classification (germline): Conflicting classifications of pathogenicity. Review status: criteria provided, conflicting classifications (1 of 4 stars). 7 submissions from 7 submitters: Uncertain significance (6); Likely benign (1). Last evaluated 2025-08-19.

Conditions:
Hereditary cancer-predisposing syndrome. Also called: Neoplastic Syndromes, Hereditary; Tumor predisposition; Hereditary Cancer Syndrome; Hereditary neoplastic syndrome. Identifiers: Orphanet 140162, MedGen C0027672, MeSH D009386, MONDO:0015356.
Hereditary breast ovarian cancer syndrome. Also called: Hereditary breast and ovarian cancer syndrome; BRCA1- and BRCA2-Associated Hereditary Breast and Ovarian Cancer; Breast and ovarian cancer; Hereditary breast and/or ovarian cancer syndrome; Hereditary breast and ovarian cancer; Hereditary breast and ovarian cancer syndrome (HBOC). Identifiers: Orphanet 145, MedGen C0677776, MeSH D061325, MONDO:0003582. Disease mechanism: loss of function.

Allele frequency attached by ClinVar (database versions not stated): gnomAD exomes below 0.00001; TOPMed below 0.00001; gnomAD 0.00001.
gnomAD v4.1: 2 of 1,606,860 alleles (0.00012%); highest among the groups gnomAD compares: African/African-American, 0.0013%; no homozygotes.

Submissions (7):

Color Diagnostics, LLC DBA Color Health
Classification: Uncertain significance for Hereditary cancer-predisposing syndrome. Last evaluated: 2025-08-19. Review status: criteria provided, single submitter. Criteria: ACMG Guidelines, 2015. Collection method: clinical testing. Allele origin: germline.
Comment: This missense variant replaces leucine with serine at codon 1356 of the BRCA2 protein. Computational prediction suggests that this variant may not impact protein structure and function. To our knowledge, functional studies have not been reported for this variant. This variant has been detected in a breast cancer case-control meta-analysis in 1/60466 cases and 0/53461 unaffected individuals (PMID: 33471991Leiden Open Variation Database DB-ID BRCA2_008139). This variant has not been identified in the general population by the Genome Aggregation Database (gnomAD). The available evidence is insufficient to determine the role of this variant in disease conclusively. Therefore, this variant is classified as a Variant of Uncertain Significance.

Labcorp Genetics (formerly Invitae), Labcorp
Classification: Uncertain significance for Hereditary breast ovarian cancer syndrome. Last evaluated: 2025-06-23. Review status: criteria provided, single submitter. Criteria: Invitae Variant Classification Sherloc (09022015). Collection method: clinical testing. Allele origin: germline.
Comment: This sequence change replaces leucine, which is neutral and non-polar, with serine, which is neutral and polar, at codon 1356 of the BRCA2 protein (p.Leu1356Ser). This variant is not present in population databases (gnomAD no frequency). This variant has not been reported in the literature in individuals affected with BRCA2-related conditions. ClinVar contains an entry for this variant (Variation ID: 234278). Invitae Evidence Modeling of protein sequence and biophysical properties (such as structural, functional, and spatial information, amino acid conservation, physicochemical variation, residue mobility, and thermodynamic stability) indicates that this missense variant is not expected to disrupt BRCA2 protein function with a negative predictive value of 95%. In summary, the available evidence is currently insufficient to determine the role of this variant in disease. Therefore, it has been classified as a Variant of Uncertain Significance.

Ambry Genetics
Classification: Uncertain significance for Hereditary cancer-predisposing syndrome. Last evaluated: 2024-07-25. Review status: criteria provided, single submitter. Criteria: Ambry Variant Classification Scheme 2023. Collection method: clinical testing. Allele origin: germline.
Comment: The p.L1356S variant (also known as c.4067T>C), located in coding exon 10 of the BRCA2 gene, results from a T to C substitution at nucleotide position 4067. The leucine at codon 1356 is replaced by serine, an amino acid with dissimilar properties. This amino acid position is not well conserved in available vertebrate species. In addition, this alteration is predicted to be tolerated by in silico analysis. Based on the available evidence, the clinical significance of this variant remains unclear.

University of Washington Department of Laboratory Medicine, University of Washington
Classification: Likely benign for Hereditary cancer-predisposing syndrome. Last evaluated: 2023-03-23. Review status: criteria provided, single submitter. Criteria: Dines et al. (Genet Med. 2020). Collection method: curation. Allele origin: germline.
Comment: Missense variant in a coldspot region where missense variants are very unlikely to be pathogenic (PMID:31911673).

BRCA2 exon 11 coldspot. Reclassification based on statistical prior probability.

Sema4
Classification: Uncertain significance for Hereditary cancer-predisposing syndrome. Last evaluated: 2021-09-25. Review status: criteria provided, single submitter. Criteria: Sema4 Curation Guidelines. Collection method: curation. Allele origin: germline.
Comment: The BRCA2 c.4067T>C (p.L1356S) variant has been reported in heterozygosity in at least one individual with breast cancer (PMID: 33471991). This variant is not reported in the population database Genome Aggregation Database (PMID: 32461654), but has been reported in ClinVar (Variation ID: 234278). Functional studies have not been performed, and in silico predictions of the variant's effect on protein function are inconclusive. Based on the current evidence available, this variant is interpreted as a variant of uncertain significance.

Quest Diagnostics Nichols Institute San Juan Capistrano
Classification: Uncertain significance. Last evaluated: 2017-10-18. Review status: criteria provided, single submitter. Criteria: Quest Diagnostics criteria. Collection method: clinical testing. Allele origin: unknown.

GeneDx
Classification: Uncertain significance. Last evaluated: 2015-11-12. Review status: criteria provided, single submitter. Criteria: GeneDx Variant Classification (06012015). Collection method: clinical testing. Allele origin: germline. Affected: yes.
Comment: This variant is denoted BRCA2 c.4067T>C at the cDNA level, p.Leu1356Ser (L1356S) at the protein level, and results in the change of a Leucine to a Serine (TTG>TCG) in exon 11. Using legacy nomenclature, this variant would be defined as BRCA2 4295T>C. This variant has not, to our knowledge, been published in the literature as either a mutation or a benign polymorphism. BRCA2 Leu1356Ser was not observed in approximately 6,500 individuals of European and African American ancestry in the NHLBI Exome Sequencing Project, indicating it is not a common benign variant in these populations. Since Leucine and Serine differ in polarity, charge, size or other properties, this is considered a non-conservative amino acid substitution. BRCA2 Leu1356Ser occurs at a position that is not conserved and is located in the RAD51 binding domain (Roy 2012). In silico analyses predict that this variant is unlikely to alter protein structure or function. Based on currently available information, it is unclear whether BRCA2 Leu1356Ser is a pathogenic or a benign variant. We consider it to be a variant of uncertain significance.

Literature cited by the submitters: PubMed 33471991 (cited by Color Diagnostics, LLC DBA Color Health and Sema4).

NM_000059.4(BRCA2):c.4067T>C (p.Leu1356Ser)

Gene: BRCA2 (BRCA2 DNA repair associated; plus strand). Cytogenetic location: 13q13.1.
Variant type: single nucleotide variant.
Coding change: c.4067T>C on transcript NM_000059.4 (MANE Select); coding-DNA position 4067, T replaced by C.
Protein change: p.Leu1356Ser; replaces leucine 1356 with serine.
Molecular consequence: missense variant.
Genome position (GRCh38, 1-based): chr13:32,338,422, T>C. VCF-style: chr13-32338422-T-C. GRCh37 (hg19) VCF-style: chr13-32912559-T-C.
Other names: short protein forms L1356S.
Identifiers: ClinVar variation 234278 (VCV000234278.27), dbSNP rs876660967, ClinGen allele CA10577469.
Genomic context (GRCh38, chr13:32,338,422, plus strand): 5'-TTGATGGCAGTGATTCAAGTAAAAATGATACTGTTTGTATTCATAAAGATGAAACGGACT[T>C]GCTATTTACTGATCAGCACAACATATGTCTTAAATTATCTGGCCAGTTTATGAAGGAGGG-3'
Protein context (NP_000050.3, residues 1346-1366): TVCIHKDETD[Leu1356Ser]LFTDQHNICL